The following is an entry in ClinVar:

ClinVar aggregate classification (germline): Likely benign. Review status: criteria provided, multiple submitters, no conflicts (2 of 4 stars). 2 submissions from 2 submitters: Likely benign (2). Last evaluated 2025-12-03.

Conditions:
Progressive sclerosing poliodystrophy (MTDPS4A). Also called: ALPERS PROGRESSIVE INFANTILE POLIODYSTROPHY; ALPERS DIFFUSE DEGENERATION OF CEREBRAL GRAY MATTER WITH HEPATIC CIRRHOSIS; Alpers-Huttenlocher Syndrome; Mitochondrial DNA depletion syndrome 4A (Alpers type); Alpers-Huttenlocher Syndrome (AHS); NEURONAL DEGENERATION OF CHILDHOOD WITH LIVER DISEASE, PROGRESSIVE. Identifiers: Orphanet 726, MedGen C0205710, MONDO:0008758, OMIM 203700.

Allele frequency attached by ClinVar (database versions not stated): gnomAD exomes below 0.00001; TOPMed below 0.00001; gnomAD 0.00001.
gnomAD v4.1: 2 of 1,613,568 alleles (0.00012%); highest among the groups gnomAD compares: Non-Finnish European, 0.00017%; no homozygotes.

Submissions (2):

Labcorp Genetics (formerly Invitae), Labcorp
Classification: Likely benign for Progressive sclerosing poliodystrophy. Last evaluated: 2025-12-03. Review status: criteria provided, single submitter. Criteria: Invitae Variant Classification Sherloc (09022015). Collection method: clinical testing. Allele origin: germline.

GeneDx
Classification: Likely benign. Last evaluated: 2018-05-21. Review status: criteria provided, single submitter. Criteria: GeneDx Variant Classification (06012015). Collection method: clinical testing. Allele origin: germline. Affected: yes.
Comment: This variant is considered likely benign or benign based on one or more of the following criteria: it is a conservative change, it occurs at a poorly conserved position in the protein, it is predicted to be benign by multiple in silico algorithms, and/or has population frequency not consistent with disease.

NM_002693.3(POLG):c.2427-14G>C

Gene: POLG (DNA polymerase gamma, catalytic subunit; minus strand). Cytogenetic location: 15q26.1.
Variant type: single nucleotide variant.
Coding change: c.2427-14G>C on transcript NM_002693.3 (MANE Select); 14 bases into the intron before coding-DNA position 2427, G replaced by C.
Molecular consequence: intron variant.
Genome position (GRCh38, 1-based): chr15:89,322,029, C>G on the plus strand (G>C on the coding strand, the complement: POLG is on the minus strand). VCF-style: chr15-89322029-C-G. GRCh37 (hg19) VCF-style: chr15-89865260-C-G.
Other names: c.2427-14G>C (NM_001126131.2).
Identifiers: ClinVar variation 667518 (VCV000667518.9), dbSNP rs1247657513, ClinGen allele CA716885643.